The following is an entry in ClinVar:

NM_024844.5(NUP85):c.139A>G (p.Met47Val)

Gene: NUP85 (nucleoporin 85; plus strand). Cytogenetic location: 17q25.1.
Variant type: single nucleotide variant.
Coding change: c.139A>G on transcript NM_024844.5 (MANE Select); coding-DNA position 139, A replaced by G.
Protein change: p.Met47Val; replaces methionine 47 with valine.
Molecular consequence: missense variant. On other transcripts: initiator codon variant (1).
Genome position (GRCh38, 1-based): chr17:75,209,834, A>G. VCF-style: chr17-75209834-A-G. GRCh37 (hg19) VCF-style: chr17-73205929-A-G.
Other names: c.1A>G, p.Met1Val (NM_001303276.2); c.139A>G, p.Met47Val (NM_001330472.2); short protein forms M47V, M1V.
Identifiers: ClinVar variation 1952471 (VCV001952471.3), dbSNP rs543033222, ClinGen allele CA8758333.
Genomic context (GRCh38, chr17:75,209,834, plus strand): 5'-GGAGATGATCATAATAGATGTTAAATTTTTTTTTTCTGTTTGGTTTCAGAAAAATCAGAG[A>G]TGGTGCCAAGTTGCCCCTTTATCTATATCATCCGTAAGGATGTAGATGTTTACTCTCAAA-3'
Protein context (NP_079120.1, residues 37-57): TSFNKKEKSE[Met47Val]VPSCPFIYII

ClinVar aggregate classification (germline): Uncertain significance (1 of 4 stars; one submission).

Allele frequency attached by ClinVar (database versions not stated): ExAC 0.00003; 1000 Genomes Project 30x 0.00016; 1000 Genomes Project 0.00020.
gnomAD v4.1: 5 of 1,577,240 alleles (0.00032%); highest among the groups gnomAD compares: African/African-American, 0.007%; no homozygotes.

Submission:

Labcorp Genetics (formerly Invitae), Labcorp
Classification: Uncertain significance. Last evaluated: 2022-04-11. Review status: criteria provided, single submitter. Criteria: Invitae Variant Classification Sherloc (09022015). Collection method: clinical testing. Allele origin: germline.
Comment: This sequence change replaces methionine, which is neutral and non-polar, with valine, which is neutral and non-polar, at codon 47 of the NUP85 protein (p.Met47Val). This variant is present in population databases (rs543033222, gnomAD 0.02%). This variant has not been reported in the literature in individuals affected with NUP85-related conditions. Algorithms developed to predict the effect of missense changes on protein structure and function output the following: SIFT: "Tolerated"; PolyPhen-2: "Benign"; Align-GVGD: "Class C0". The valine amino acid residue is found in multiple mammalian species, which suggests that this missense change does not adversely affect protein function. In summary, the available evidence is currently insufficient to determine the role of this variant in disease. Therefore, it has been classified as a Variant of Uncertain Significance.